The following is an entry in ClinVar:

ClinVar aggregate classification (germline): Uncertain significance (1 of 4 stars; one submission).

Allele frequency attached by ClinVar (database versions not stated): TOPMed below 0.00001.

Submission:

Labcorp Genetics (formerly Invitae), Labcorp
Classification: Uncertain significance. Last evaluated: 2023-05-11. Review status: criteria provided, single submitter. Criteria: Invitae Variant Classification Sherloc (09022015). Collection method: clinical testing. Allele origin: germline.
Comment: This sequence change replaces proline, which is neutral and non-polar, with alanine, which is neutral and non-polar, at codon 380 of the THBD protein (p.Pro380Ala). This variant is not present in population databases (gnomAD no frequency). This variant has not been reported in the literature in individuals affected with THBD-related conditions. Advanced modeling of protein sequence and biophysical properties (such as structural, functional, and spatial information, amino acid conservation, physicochemical variation, residue mobility, and thermodynamic stability) performed at Invitae indicates that this missense variant is expected to disrupt THBD protein function. In summary, the available evidence is currently insufficient to determine the role of this variant in disease. Therefore, it has been classified as a Variant of Uncertain Significance.

NM_000361.3(THBD):c.1138C>G (p.Pro380Ala)

Gene: THBD (thrombomodulin; minus strand). Cytogenetic location: 20p11.21.
Variant type: single nucleotide variant.
Coding change: c.1138C>G on transcript NM_000361.3 (MANE Select); coding-DNA position 1138, C replaced by G.
Protein change: p.Pro380Ala; replaces proline 380 with alanine.
Molecular consequence: missense variant.
Genome position (GRCh38, 1-based): chr20:23,048,367, G>C on the plus strand (C>G on the coding strand, the complement: THBD is on the minus strand). VCF-style: chr20-23048367-G-C. GRCh37 (hg19) VCF-style: chr20-23029004-G-C.
Other names: short protein forms P380A.
Identifiers: ClinVar variation 2863279 (VCV002863279.3), dbSNP rs1427060777, ClinGen allele CA408406182.